The following is an entry in ClinVar:

ClinVar aggregate classification (germline): Uncertain significance (1 of 4 stars; one submission).

Conditions:
Inborn genetic diseases. Identifiers: MedGen C0950123, MeSH D030342.

Allele frequency attached by ClinVar (database versions not stated): gnomAD exomes below 0.00001; ExAC 0.00001.
gnomAD v4.1: 2 of 1,614,228 alleles (0.00012%); highest among the groups gnomAD compares: South Asian, 0.0022%; no homozygotes.

Submission:

Ambry Genetics
Classification: Uncertain significance for Inborn genetic diseases. Last evaluated: 2024-03-10. Review status: criteria provided, single submitter. Criteria: Ambry Variant Classification Scheme 2023. Collection method: clinical testing. Allele origin: germline.
Comment: The p.S2180T variant (also known as c.6538T>A), located in coding exon 44 of the LRRK2 gene, results from a T to A substitution at nucleotide position 6538. The serine at codon 2180 is replaced by threonine, an amino acid with similar properties. This amino acid position is conserved. In addition, this alteration is predicted to be tolerated by in silico analysis. Based on the available evidence, the clinical significance of this alteration remains unclear.

NM_198578.4(LRRK2):c.6538T>A (p.Ser2180Thr)

Gene: LRRK2 (leucine rich repeat kinase 2; plus strand). Cytogenetic location: 12q12.
Variant type: single nucleotide variant.
Coding change: c.6538T>A on transcript NM_198578.4 (MANE Select); coding-DNA position 6538, T replaced by A.
Protein change: p.Ser2180Thr; replaces serine 2180 with threonine.
Molecular consequence: missense variant.
Genome position (GRCh38, 1-based): chr12:40,351,695, T>A. VCF-style: chr12-40351695-T-A. GRCh37 (hg19) VCF-style: chr12-40745497-T-A.
Other names: short protein forms S2180T.
Identifiers: ClinVar variation 3229736 (VCV003229736.1), dbSNP rs749128846, ClinGen allele CA6514703.